The following is an entry in ClinVar:

NM_005228.5(EGFR):c.2890T>A (p.Leu964Met)

Gene: EGFR (epidermal growth factor receptor; plus strand). Cytogenetic location: 7p11.2.
Variant type: single nucleotide variant.
Coding change: c.2890T>A on transcript NM_005228.5 (MANE Select); coding-DNA position 2890, T replaced by A.
Protein change: p.Leu964Met; replaces leucine 964 with methionine.
Molecular consequence: missense variant.
Genome position (GRCh38, 1-based): chr7:55,200,357, T>A. VCF-style: chr7-55200357-T-A. GRCh37 (hg19) VCF-style: chr7-55268050-T-A.
Other names: c.2755T>A, p.Leu919Met (NM_001346897.2, NM_001346899.2); c.2890T>A, p.Leu964Met (NM_001346898.2); c.2731T>A, p.Leu911Met (NM_001346900.2); c.2089T>A, p.Leu697Met (NM_001346941.2); c.2890T>A (NM_005228.3); short protein forms L697M, L911M, L919M, L964M.
Identifiers: ClinVar variation 1419971 (VCV001419971.8), dbSNP rs2128969871, ClinGen allele CA367581839.

ClinVar aggregate classification (germline): Uncertain significance. Review status: criteria provided, multiple submitters, no conflicts (2 of 4 stars). 2 submissions from 2 submitters: Uncertain significance (2). Last evaluated 2025-01-17.

Conditions:
EGFR-related lung cancer (EGFR). Identifiers: MedGen CN130014.
Hereditary cancer-predisposing syndrome. Also called: Neoplastic Syndromes, Hereditary; Hereditary Cancer Syndrome; Hereditary neoplastic syndrome; Tumor predisposition. Identifiers: Orphanet 140162, MedGen C0027672, MeSH D009386, MONDO:0015356.

gnomAD v4.1: 2 of 1,614,164 alleles (0.00012%); no homozygotes.

Submissions (2):

Ambry Genetics
Classification: Uncertain significance for Hereditary cancer-predisposing syndrome. Last evaluated: 2025-01-17. Review status: criteria provided, single submitter. Criteria: Ambry Variant Classification Scheme 2023. Collection method: clinical testing. Allele origin: germline.
Comment: The p.L964M variant (also known as c.2890T>A), located in coding exon 24 of the EGFR gene, results from a T to A substitution at nucleotide position 2890. The leucine at codon 964 is replaced by methionine, an amino acid with highly similar properties. This amino acid position is conserved. In addition, the in silico prediction for this alteration is inconclusive. Based on the available evidence, the clinical significance of this variant remains unclear.

Labcorp Genetics (formerly Invitae), Labcorp
Classification: Uncertain significance for EGFR-related lung cancer. Last evaluated: 2023-03-20. Review status: criteria provided, single submitter. Criteria: Invitae Variant Classification Sherloc (09022015). Collection method: clinical testing. Allele origin: germline.
Comment: In summary, the available evidence is currently insufficient to determine the role of this variant in disease. Therefore, it has been classified as a Variant of Uncertain Significance. This sequence change replaces leucine, which is neutral and non-polar, with methionine, which is neutral and non-polar, at codon 964 of the EGFR protein (p.Leu964Met). This variant is not present in population databases (gnomAD no frequency). This variant has not been reported in the literature in individuals affected with EGFR-related conditions. ClinVar contains an entry for this variant (Variation ID: 1419971). Advanced modeling of protein sequence and biophysical properties (such as structural, functional, and spatial information, amino acid conservation, physicochemical variation, residue mobility, and thermodynamic stability) has been performed at Invitae for this missense variant, however the output from this modeling did not meet the statistical confidence thresholds required to predict the impact of this variant on EGFR protein function.